The following is an entry in ClinVar:

ClinVar aggregate classification (germline): Uncertain significance. Review status: criteria provided, multiple submitters, no conflicts (2 of 4 stars). 2 submissions from 2 submitters: Uncertain significance (2). Last evaluated 2024-08-15.

Conditions:
Cardiovascular phenotype. Identifiers: MedGen CN230736.

Submissions (2):

Ambry Genetics
Classification: Uncertain significance for Cardiovascular phenotype. Last evaluated: 2024-08-15. Review status: criteria provided, single submitter. Criteria: Ambry Variant Classification Scheme 2023. Collection method: clinical testing. Allele origin: germline.
Comment: The p.R107T variant (also known as c.320G>C), located in coding exon 1 of the NKX2-5 gene, results from a G to C substitution at nucleotide position 320. The arginine at codon 107 is replaced by threonine, an amino acid with similar properties. This amino acid position is conserved. In addition, this alteration is predicted to be tolerated by in silico analysis. Based on the available evidence, the clinical significance of this variant remains unclear.

GeneDx
Classification: Uncertain significance. Last evaluated: 2024-05-08. Review status: criteria provided, single submitter. Criteria: GeneDx Variant Classification Process June 2021. Collection method: clinical testing. Allele origin: germline. Affected: yes.
Comment: Not observed at significant frequency in large population cohorts (gnomAD); In silico analysis supports that this missense variant has a deleterious effect on protein structure/function; Has not been previously published as pathogenic or benign to our knowledge

NM_004387.4(NKX2-5):c.320G>C (p.Arg107Thr)

Gene: NKX2-5 (NK2 homeobox 5; minus strand). Cytogenetic location: 5q35.1.
Variant type: single nucleotide variant.
Coding change: c.320G>C on transcript NM_004387.4 (MANE Select); coding-DNA position 320, G replaced by C.
Protein change: p.Arg107Thr; replaces arginine 107 with threonine.
Molecular consequence: missense variant.
Genome position (GRCh38, 1-based): chr5:173,234,764, C>G on the plus strand (G>C on the coding strand, the complement: NKX2-5 is on the minus strand). VCF-style: chr5-173234764-C-G. GRCh37 (hg19) VCF-style: chr5-172661767-C-G.
Other names: c.320G>C, p.Arg107Thr (NM_001166175.2, NM_001166176.2); short protein forms R107T.
Identifiers: ClinVar variation 3375516 (VCV003375516.2).